The following is an entry in ClinVar:

NM_020737.3(LRFN2):c.1787C>T (p.Pro596Leu)

Gene: LRFN2 (leucine rich repeat and fibronectin type III domain containing 2; minus strand). Cytogenetic location: 6p21.2.
Variant type: single nucleotide variant.
Coding change: c.1787C>T on transcript NM_020737.3 (MANE Select); coding-DNA position 1787, C replaced by T.
Protein change: p.Pro596Leu; replaces proline 596 with leucine.
Molecular consequence: missense variant.
Genome position (GRCh38, 1-based): chr6:40,392,526, G>A on the plus strand (C>T on the coding strand, the complement: LRFN2 is on the minus strand). VCF-style: chr6-40392526-G-A. GRCh37 (hg19) VCF-style: chr6-40360265-G-A.
Other names: short protein forms P596L.
Identifiers: ClinVar variation 2656538 (VCV002656538.24), dbSNP rs200804161, ClinGen allele CA3796698.
Genomic context (GRCh38, chr6:40,392,526, plus strand): 5'-GCCAGGCTGGCGGTGAAGTCCAGGAGCTCGTTGCGCACCACCACCTTCGGCGGGCCCTGC[G>A]GCGGGGCCCCGGCTGGTGCGCTGCTTGGAGGCGGTGGCTGGGCGCCGTTGGTCTGCGAGT-3'
Protein context (NP_065788.1, residues 586-606): PPSSAPAGAP[Pro596Leu]QGPPKVVVRN

ClinVar aggregate classification (germline): Likely benign (1 of 4 stars; one submission).

Allele frequency attached by ClinVar (database versions not stated): 1000 Genomes Project 0.00120; 1000 Genomes Project 30x 0.00141; TOPMed 0.00196; ESP Exome Variant Server 0.00228; ExAC 0.00861.
gnomAD v4.1: 5,275 of 1,588,518 alleles (0.33%); highest among the groups gnomAD compares: South Asian, 0.5%; 28 homozygotes.

Submission:

CeGaT Center for Human Genetics Tuebingen
Classification: Likely benign. Last evaluated: 2022-09-01. Review status: criteria provided, single submitter. Criteria: CeGaT Center For Human Genetics Tuebingen Variant Classification Criteria Version 2. Collection method: clinical testing. Allele origin: germline. Affected: yes. Observed: 1 variant allele.
Comment: LRFN2: BP4, BS2